The following is an entry in ClinVar:

ClinVar aggregate classification (germline): Pathogenic. Review status: reviewed by expert panel (3 of 4 stars). 14 submissions from 14 submitters: Pathogenic (1). 13 of the submissions do not count toward it. Last evaluated 2022-09-22.

Conditions:
ACADVL-related disorder. Also called: ACADVL-related condition.
Very long chain acyl-CoA dehydrogenase deficiency (ACADVLD). Also called: VLCAD Deficiency; Very Long-Chain Acyl-Coenzyme A Dehydrogenase Deficiency. Identifiers: Orphanet 26793, MedGen C3887523, MONDO:0008723, OMIM 201475.

Submissions (14):

ClinGen ACADVL Variant Curation Expert Panel, ClinGen
Classification: Pathogenic for Very long chain acyl-CoA dehydrogenase deficiency. Last evaluated: 2022-09-22. Review status: reviewed by expert panel. Criteria: clingen acadvl acmg specifications v1. Collection method: curation. Allele origin: germline. Inheritance: Autosomal recessive inheritance.
Comment: The NM_000018.4(ACADVL):c.65C>A (p.Ser22Ter) variant in ACADVL is a nonsense predicted to cause a premature stop codon in biologically relevant exon 2/20 leading to nonsense mediated decay in a gene in which loss-of-function is an established disease mechanism (PVS1: PMIDs 9973285, 11590124). Immunoblot shows no VLCAD enzyme on patients' fibroblasts (PMID 10790204)(PS3_Supporting). Metabolic activity as measured by MTT assay showed reduced proliferation rate in primary patient fibroblasts and CRISPR knock-in Hs27 cells when compared to normal (PMID:32010688) (PS3_Supporting). This variant has been detected in at least 35 individuals with very long chain acyl CoA dehydrogenase (VLCAD) deficiency, 34 of whom were homozygous for the variant (PMID: 28980192, 32010688, 10790204), and one compound heterozygous for a likely pathogenic without phase confirmation (PMID: 24801231)(PM3, Total points assigned = 1.5). This variant is absent from gnomAD v2.1.1 (PM2_Supporting). Multiple cases are observed with elevated C14:1 from NBS and reduced ACADVL activity, which is highly specific for VLCADD (PMID: 28980192,10790204)(PP4_Moderate). The ACADVL Variant Curation Expert Panel VCEP classified this variant as pathogenic based on PVS1,PS3_Supporting, PM3, PM2_Supporting, PP4_Moderate.

3billion
Classification: Pathogenic for Very long chain acyl-CoA dehydrogenase deficiency. Last evaluated: 2025-09-24. Review status: criteria provided, single submitter. Criteria: ACMG Guidelines, 2015. Collection method: clinical testing. Allele origin: germline. Affected: yes. Not counted in ClinVar's aggregate classification.
Comment: The variant is observed at an extremely low frequency in the gnomAD v4.1.0 dataset (total allele frequency: <0.001%). Predicted Consequence/Location: Stop-gained (nonsense): predicted to result in a loss or disruption of normal protein function through nonsense-mediated decay (NMD) or protein truncation. Multiple pathogenic variants are reported downstream of the variant. The variant has been reported multiple times as an established pathogenic variant (ClinVar ID: VCV000166638 /PMID: 10790204). Therefore, this variant is classified as Pathogenic according to the recommendation of ACMG/AMP guideline.

Revvity Omics, Revvity
Classification: Pathogenic for Very long chain acyl-CoA dehydrogenase deficiency. Last evaluated: 2025-03-19. Review status: criteria provided, single submitter. Criteria: ACMG Guidelines, 2015. Collection method: clinical testing. Allele origin: germline. Not counted in ClinVar's aggregate classification.

Blueprint Genetics
Classification: Pathogenic for ACADVL-related disorders. Last evaluated: 2024-04-08. Review status: criteria provided, single submitter. Criteria: ACMG Guidelines, 2015. Collection method: clinical testing. Allele origin: germline. Affected: yes. Observed: 5 variant alleles. Not counted in ClinVar's aggregate classification.

Natera, Inc.
Classification: Pathogenic for Very long chain acyl-CoA dehydrogenase deficiency. Last evaluated: 2024-03-18. Review status: criteria provided, single submitter. Criteria: Natera Variant Classification Schema (03/2026). Collection method: clinical testing. Allele origin: germline. Not counted in ClinVar's aggregate classification.
Comment: The c.65C>A variant in ACADVL is a nonsense variant predicted to introduce a stop codon at amino acid 22. This variant is expected to result in nonsense mediated decay, truncation, or a dysfunctional protein product. This variant is rare in the general population with a frequency below the threshold expected for the associated phenotype(s). This variant has been observed in one or more individuals affected with the associated recessive disease, as either homozygous or compound heterozygous with a second variant (PMID: 32518924). Given the available evidence, this variant is classified as Pathogenic.

Genomic Medicine Center of Excellence, King Faisal Specialist Hospital and Research Centre
Classification: Pathogenic for Very long chain acyl-CoA dehydrogenase deficiency. Last evaluated: 2024-03-17. Review status: criteria provided, single submitter. Criteria: ACMG Guidelines, 2015. Collection method: research. Allele origin: germline. Not counted in ClinVar's aggregate classification.

Labcorp Genetics (formerly Invitae), Labcorp
Classification: Pathogenic for Very long chain acyl-CoA dehydrogenase deficiency. Last evaluated: 2023-06-14. Review status: criteria provided, single submitter. Criteria: Invitae Variant Classification Sherloc (09022015). Collection method: clinical testing. Allele origin: germline. Not counted in ClinVar's aggregate classification.
Comment: This variant is not present in population databases (gnomAD no frequency). This sequence change creates a premature translational stop signal (p.Ser22*) in the ACADVL gene. It is expected to result in an absent or disrupted protein product. Loss-of-function variants in ACADVL are known to be pathogenic (PMID: 9973285, 11590124). This premature translational stop signal has been observed in individuals with Very long-chain acyl-CoA dehydrogenase deficiency (PMID: 10790204, 32518924). For these reasons, this variant has been classified as Pathogenic. ClinVar contains an entry for this variant (Variation ID: 166638).

GeneDx
Classification: Pathogenic. Last evaluated: 2022-02-08. Review status: criteria provided, single submitter. Criteria: GeneDx Variant Classification Process June 2021. Collection method: clinical testing. Allele origin: germline. Affected: yes. Not counted in ClinVar's aggregate classification.
Comment: Nonsense variant predicted to result in protein truncation or nonsense mediated decay in a gene for which loss-of-function is a known mechanism of disease; Not observed at significant frequency in large population cohorts (gnomAD); This variant is associated with the following publications: (PMID: 25525159, 26182500, 24801231, 31130284, 32870709, 28980192, 10790204)

Baylor Genetics
Classification: Pathogenic for Very long chain acyl-CoA dehydrogenase deficiency. Last evaluated: 2020-08-01. Review status: criteria provided, single submitter. Criteria: ACMG Guidelines, 2015. Collection method: clinical testing. Allele origin: unknown. Affected: yes. Not counted in ClinVar's aggregate classification.
Comment: This variant was determined to be pathogenic according to ACMG Guidelines, 2015 [PMID:25741868]. This variant has been previously reported as disease-causing [PMID: 10790204, 25525159, ClinVar ID: 166638]

Breakthrough Genomics
Classification: Pathogenic for Very long chain acyl-CoA dehydrogenase deficiency. Last evaluated: 2019-12-08. Review status: criteria provided, single submitter. Criteria: ACMG Guidelines, 2015. Collection method: clinical testing. Allele origin: germline. Affected: yes. Not counted in ClinVar's aggregate classification.
Comment: This variant is predicted to cause premature termination of the protein (p.Ser22Ter). The truncated protein is likely to lack catalytic domain and substrate binding region of the protein [UniProt]; this will likely result in loss-of-function. The variant was previously reported in patients of Chinese and Israeli origin with very long chain acyl-CoA dehydrogenase deficiency in homozygous state [PMID: 26182500, 10790204].

Wong Mito Lab, Molecular and Human Genetics, Baylor College of Medicine
Classification: Pathogenic for Very long chain acyl-CoA dehydrogenase deficiency. Last evaluated: 2019-11-01. Review status: criteria provided, single submitter. Criteria: ACMG Guidelines, 2015. Collection method: clinical testing. Allele origin: germline. Not counted in ClinVar's aggregate classification.
Comment: The NM_000018.3:c.65C>A (NP_000009.1:p.Ser22Ter) [GRCH38: NC_000017.11:g.7220124C>A] variant in ACADVL gene is interpretated to be Pathogenic based on ACMG guidelines (PMID: 25741868). This variant has been reported in PMID:10790204. This variant meets the following evidence codes reported in the ACMG guidelines: PVS1, PS3

Eurofins Ntd Llc (ga)
Classification: Pathogenic. Last evaluated: 2014-03-20. Review status: criteria provided, single submitter. Criteria: EGL Classification Definitions. Collection method: clinical testing. Allele origin: germline. Observed: 6 variant alleles, 2 heterozygotes, 5 homozygotes. Not counted in ClinVar's aggregate classification.

Biochemical Molecular Genetic Laboratory, King Abdulaziz Medical City
Classification: Pathogenic for Very long chain acyl-CoA dehydrogenase deficiency. Last evaluated: 2019-09-26. Review status: no assertion criteria provided. Collection method: clinical testing. Allele origin: germline. Affected: yes. Not counted in ClinVar's aggregate classification.

Pathology and Clinical Laboratory Medicine, King Fahad Medical City
Classification: Pathogenic for Very long chain acyl-CoA dehydrogenase deficiency. Review status: no assertion criteria provided. Criteria: ACMG Guidelines, 2015. Collection method: clinical testing. Allele origin: germline. Affected: yes. Not counted in ClinVar's aggregate classification.

Literature cited by the submitters: PubMed 10790204 (cited by 4 submitters); PubMed 32518924 (cited by Natera, Inc. and Labcorp Genetics (formerly Invitae), Labcorp); PubMed 9973285 (cited by Labcorp Genetics (formerly Invitae), Labcorp); PubMed 11590124 (cited by Labcorp Genetics (formerly Invitae), Labcorp); PubMed 25525159 (cited by Baylor Genetics).

NM_000018.4(ACADVL):c.65C>A (p.Ser22Ter)

Genes: ACADVL (acyl-CoA dehydrogenase very long chain; plus strand), LOC130060113 (ATAC-STARR-seq lymphoblastoid silent region 8088; plus strand). Cytogenetic location: 17p13.1.
Variant type: single nucleotide variant.
Coding change: c.65C>A on transcript NM_000018.4 (MANE Select); coding-DNA position 65, C replaced by A.
Protein change: p.Ser22Ter; replaces serine 22 with a stop codon.
Molecular consequence: nonsense. On other transcripts: 5 prime UTR variant (1).
Genome position (GRCh38, 1-based): chr17:7,220,124, C>A. VCF-style: chr17-7220124-C-A. GRCh37 (hg19) VCF-style: chr17-7123443-C-A.
Other names: NM_000018.4(ACADVL):c.65C>A; p.Ser22Ter; c.65C>A, p.Ser22Ter (NM_001033859.3); c.134C>A, p.Ser45Ter (NM_001270447.2); c.-164C>A (NM_001270448.2); short protein forms S22*, S45*.
Identifiers: ClinVar variation 166638 (VCV000166638.27), dbSNP rs727503788, ClinGen allele CA233425.
Genomic context (GRCh38, chr17:7,220,124, plus strand): 5'-GGGACGGTGGGCAGCGGCCCTGGGCACCGGGCCGGCACTGAACCCCCACTCCCCACAGCT[C>A]GCGGCTCACGGCGCTCCTGGGGCAGCCCCGGCCCGGCCCTGCCCGGCGGCCCTATGCCGG-3'